The following is an entry in ClinVar:

ClinVar aggregate classification (germline): Uncertain significance. Review status: criteria provided, multiple submitters, no conflicts (2 of 4 stars). 4 submissions from 4 submitters: Uncertain significance (4). Last evaluated 2025-01-09.

Conditions:
Inborn genetic diseases. Identifiers: MedGen C0950123, MeSH D030342.
Familial hemophagocytic lymphohistiocytosis 4 (FHL4). Also called: STX11-Related Familial Hemophagocytic Lymphohistiocytosis (STX11-fHLH). Identifiers: Orphanet 540, MedGen C1863728, MONDO:0011336, OMIM 603552.

Allele frequency attached by ClinVar (database versions not stated): gnomAD exomes below 0.00001; ExAC 0.00001; gnomAD 0.00002 and 0.00003; TOPMed 0.00003.
gnomAD v4.1: 9 of 1,612,310 alleles (0.00056%); highest among the groups gnomAD compares: African/African-American, 0.0013%; no homozygotes.

Submissions (4):

Ambry Genetics
Classification: Uncertain significance for Inborn genetic diseases. Last evaluated: 2025-01-09. Review status: criteria provided, single submitter. Criteria: Ambry Variant Classification Scheme 2023. Collection method: clinical testing. Allele origin: germline.

Labcorp Genetics (formerly Invitae), Labcorp
Classification: Uncertain significance for Familial hemophagocytic lymphohistiocytosis 4. Last evaluated: 2022-09-27. Review status: criteria provided, single submitter. Criteria: Invitae Variant Classification Sherloc (09022015). Collection method: clinical testing. Allele origin: germline.
Comment: This sequence change replaces leucine, which is neutral and non-polar, with phenylalanine, which is neutral and non-polar, at codon 135 of the STX11 protein (p.Leu135Phe). This variant is present in population databases (rs748690313, gnomAD 0.002%). This variant has not been reported in the literature in individuals affected with STX11-related conditions. ClinVar contains an entry for this variant (Variation ID: 662700). Advanced modeling of protein sequence and biophysical properties (such as structural, functional, and spatial information, amino acid conservation, physicochemical variation, residue mobility, and thermodynamic stability) has been performed at Invitae for this missense variant, however the output from this modeling did not meet the statistical confidence thresholds required to predict the impact of this variant on STX11 protein function. In summary, the available evidence is currently insufficient to determine the role of this variant in disease. Therefore, it has been classified as a Variant of Uncertain Significance.

Revvity Omics, Revvity
Classification: Uncertain significance for Familial hemophagocytic lymphohistiocytosis 4. Last evaluated: 2021-08-31. Review status: criteria provided, single submitter. Criteria: ACMG Guidelines, 2015. Collection method: clinical testing. Allele origin: germline.

Breakthrough Genomics
Classification: Uncertain significance. Review status: criteria provided, single submitter. Criteria: ACMG Guidelines, 2015. Collection method: not provided. Allele origin: germline. Inheritance: Autosomal recessive inheritance. Affected: yes.

NM_003764.4(STX11):c.403C>T (p.Leu135Phe)

Gene: STX11 (syntaxin 11; plus strand). Cytogenetic location: 6q24.2.
Variant type: single nucleotide variant.
Coding change: c.403C>T on transcript NM_003764.4 (MANE Select); coding-DNA position 403, C replaced by T.
Protein change: p.Leu135Phe; replaces leucine 135 with phenylalanine.
Molecular consequence: missense variant.
Genome position (GRCh38, 1-based): chr6:144,187,030, C>T. VCF-style: chr6-144187030-C-T. GRCh37 (hg19) VCF-style: chr6-144508167-C-T.
Other names: c.403C>T (LRG_113t1); short protein forms L135F.
Identifiers: ClinVar variation 662700 (VCV000662700.10), dbSNP rs748690313, ClinGen allele CA4031702.